The following is an entry in ClinVar:

NC_000002.11:g.(?_7968276)_(10192634_?)dup

Genes: ADAM17 (ADAM metallopeptidase domain 17; minus strand), ASAP2 (ArfGAP with SH3 domain, ankyrin repeat and PH domain 2; plus strand), CPSF3 (cleavage and polyadenylation specific factor 3; plus strand), GRHL1 (grainyhead like transcription factor 1; plus strand), IAH1 (isoamyl acetate hydrolyzing esterase 1 (putative); plus strand) and 7 more. Cytogenetic location: 2p25.1.
Variant type: Duplication.
Identifiers: ClinVar variation 2426589 (VCV002426589.4).

ClinVar aggregate classification (germline): Uncertain significance (1 of 4 stars; one submission).

Submission:

Labcorp Genetics (formerly Invitae), Labcorp
Classification: Uncertain significance. Last evaluated: 2022-07-11. Review status: criteria provided, single submitter. Criteria: Invitae Variant Classification Sherloc (09022015). Collection method: clinical testing. Allele origin: germline.
Comment: In summary, the available evidence is currently insufficient to determine the role of this variant in disease. Therefore, it has been classified as a Variant of Uncertain Significance. This variant has not been reported in the literature in individuals affected with KIDINS220-related conditions. A copy number gain of the genomic region encompassing the full coding sequence of the KIDINS220 gene has been identified. The boundaries of this event are unknown as they extend beyond the assayed region for this gene and therefore may encompass additional genes. As the precise location of this event is unknown, it may be in tandem or it may be located elsewhere in the genome.